The following is an entry in ClinVar:

NM_000138.5(FBN1):c.1399C>T (p.Pro467Ser)

Gene: FBN1 (fibrillin 1; minus strand). Cytogenetic location: 15q21.1.
Variant type: single nucleotide variant.
Coding change: c.1399C>T on transcript NM_000138.5 (MANE Select); coding-DNA position 1399, C replaced by T.
Protein change: p.Pro467Ser; replaces proline 467 with serine.
Molecular consequence: missense variant.
Genome position (GRCh38, 1-based): chr15:48,515,456, G>A on the plus strand (C>T on the coding strand, the complement: FBN1 is on the minus strand). VCF-style: chr15-48515456-G-A. GRCh37 (hg19) VCF-style: chr15-48807653-G-A.
Other names: c.1399C>T, p.Pro467Ser (NM_001406716.1); short protein forms P467S.
Identifiers: ClinVar variation 3903411 (VCV003903411.1).

ClinVar aggregate classification (germline): Uncertain significance (1 of 4 stars; one submission).

Submission:

GeneDx
Classification: Uncertain significance. Last evaluated: 2024-12-13. Review status: criteria provided, single submitter. Criteria: GeneDx Variant Classification Process June 2021. Collection method: clinical testing. Allele origin: germline. Affected: yes.
Comment: Not observed at significant frequency in large population cohorts (gnomAD); In silico analysis supports that this missense variant has a deleterious effect on protein structure/function; Has not been previously published as pathogenic or benign to our knowledge; Does not affect a cysteine or calcium-binding residue within an EGF-like domain or a TGF-binding protein domain of the FBN1 gene; cysteine substitutions in the EGF-like domains represent the majority of pathogenic missense changes associated with FBN1-related disorders (PMID: 12938084); This variant is associated with the following publications: (PMID: 12938084)